The following is an entry in ClinVar:

ClinVar aggregate classification (germline): Uncertain significance. Review status: criteria provided, multiple submitters, no conflicts (2 of 4 stars). 2 submissions from 2 submitters: Uncertain significance (2). Last evaluated 2025-08-29.

Conditions:
DICER1-related tumor predisposition. Also called: DICER1 syndrome; DICER1-related pleuropulmonary blastoma cancer predisposition syndrome. Identifiers: Orphanet 284343, MedGen C3839822, MONDO:0100216.
Hereditary cancer-predisposing syndrome. Also called: Neoplastic Syndromes, Hereditary; Tumor predisposition; Hereditary neoplastic syndrome; Hereditary Cancer Syndrome. Identifiers: Orphanet 140162, MedGen C0027672, MeSH D009386, MONDO:0015356.

Allele frequency attached by ClinVar (database versions not stated): ExAC 0.00001; gnomAD 0.00001; TOPMed 0.00001.
gnomAD v4.1: 12 of 1,613,974 alleles (0.00074%); highest among the groups gnomAD compares: Non-Finnish European, 0.001%; no homozygotes.

Submissions (2):

Labcorp Genetics (formerly Invitae), Labcorp
Classification: Uncertain significance for DICER1-related tumor predisposition. Last evaluated: 2025-08-29. Review status: criteria provided, single submitter. Criteria: Invitae Variant Classification Sherloc (09022015). Collection method: clinical testing. Allele origin: germline.
Comment: This sequence change replaces threonine, which is neutral and polar, with asparagine, which is neutral and polar, at codon 596 of the DICER1 protein (p.Thr596Asn). This variant is not present in population databases (gnomAD no frequency). This variant has not been reported in the literature in individuals affected with DICER1-related conditions. ClinVar contains an entry for this variant (Variation ID: 242050). Invitae Evidence Modeling of protein sequence and biophysical properties (such as structural, functional, and spatial information, amino acid conservation, physicochemical variation, residue mobility, and thermodynamic stability) indicates that this missense variant is not expected to disrupt DICER1 protein function with a negative predictive value of 95%. In summary, the available evidence is currently insufficient to determine the role of this variant in disease. Therefore, it has been classified as a Variant of Uncertain Significance.

Ambry Genetics
Classification: Uncertain significance for Hereditary cancer-predisposing syndrome. Last evaluated: 2025-08-20. Review status: criteria provided, single submitter. Criteria: Ambry Variant Classification Scheme 2023. Collection method: clinical testing. Allele origin: germline.
Comment: The p.T596N variant (also known as c.1787C>A), located in coding exon 10 of the DICER1 gene, results from a C to A substitution at nucleotide position 1787. The threonine at codon 596 is replaced by asparagine, an amino acid with similar properties. This amino acid position is poorly conserved in available vertebrate species. In addition, this alteration is predicted to be tolerated by in silico analysis. Since supporting evidence is limited at this time, the clinical significance of this alteration remains unclear.

NM_177438.3(DICER1):c.1787C>A (p.Thr596Asn)

Gene: DICER1 (dicer 1, ribonuclease III; minus strand). Cytogenetic location: 14q32.13.
Variant type: single nucleotide variant.
Coding change: c.1787C>A on transcript NM_177438.3 (MANE Select); coding-DNA position 1787, C replaced by A.
Protein change: p.Thr596Asn; replaces threonine 596 with asparagine.
Molecular consequence: missense variant.
Genome position (GRCh38, 1-based): chr14:95,115,787, G>T on the plus strand (C>A on the coding strand, the complement: DICER1 is on the minus strand). VCF-style: chr14-95115787-G-T. GRCh37 (hg19) VCF-style: chr14-95582124-G-T.
Other names: c.1787C>A, p.Thr596Asn (NM_001195573.1, NM_001271282.3, NM_001291628.2 and 1 more transcripts); short protein forms T596N.
Identifiers: ClinVar variation 242050 (VCV000242050.15), dbSNP rs754852266, ClinGen allele CA7331400.